The following is an entry in ClinVar:

NM_007259.5(VPS45):c.1693A>G (p.Arg565Gly)

Gene: VPS45 (vacuolar protein sorting 45 homolog; plus strand). Cytogenetic location: 1q21.2.
Variant type: single nucleotide variant.
Coding change: c.1693A>G on transcript NM_007259.5 (MANE Select); coding-DNA position 1693, A replaced by G.
Protein change: p.Arg565Gly; replaces arginine 565 with glycine.
Molecular consequence: missense variant. On other transcripts: non-coding transcript variant (1).
Genome position (GRCh38, 1-based): chr1:150,144,776, A>G. VCF-style: chr1-150144776-A-G. GRCh37 (hg19) VCF-style: chr1-150116954-A-G.
Other names: c.1693A>G (NM_007259.3); c.1472A>G, p.Lys491Arg (NM_001279353.2); c.1585A>G, p.Arg529Gly (NM_001279354.2); short protein forms R529G, K491R, R565G.
Identifiers: ClinVar variation 2148535 (VCV002148535.3), dbSNP rs782644893, ClinGen allele CA1073482.
Genomic context (GRCh38, chr1:150,144,776, plus strand): 5'-GAGGAAGTTCTGGCTTCTGGACTGCACAGCCGAAGCAAGGAGAGCTCTCAAGTCACATCA[A>G]GGTCAGCGAGCAGAAGATGAAACGGTGGTTGGGGGAAGGGCACAGCTTCCTCTCTTGTCC-3'
Protein context (NP_009190.2, residues 555-570): RSKESSQVTS[Arg565Gly]SASRR

ClinVar aggregate classification (germline): Uncertain significance. Review status: criteria provided, multiple submitters, no conflicts (2 of 4 stars). 3 submissions from 3 submitters: Uncertain significance (3). Last evaluated 2024-03-20.

Conditions:
Inborn genetic diseases. Identifiers: MedGen C0950123, MeSH D030342.
Congenital neutropenia-myelofibrosis-nephromegaly syndrome. Also called: Severe congenital neutropenia 5, autosomal recessive. Identifiers: Orphanet 369852, MedGen C3809031, MONDO:0014118, OMIM 615285.

Allele frequency attached by ClinVar (database versions not stated): gnomAD 0.00001; ExAC 0.00002; TOPMed 0.00002; gnomAD exomes 0.00005.
gnomAD v4.1: 72 of 1,614,090 alleles (0.0045%); highest among the groups gnomAD compares: Non-Finnish European, 0.0058%; no homozygotes.

Submissions (3):

Ambry Genetics
Classification: Uncertain significance for Inborn genetic diseases. Last evaluated: 2024-03-20. Review status: criteria provided, single submitter. Criteria: Ambry Variant Classification Scheme 2023. Collection method: clinical testing. Allele origin: germline.

Blueprint Genetics
Classification: Uncertain significance. Last evaluated: 2022-09-30. Review status: criteria provided, single submitter. Criteria: ACMG Guidelines, 2015. Collection method: clinical testing. Allele origin: germline.

Labcorp Genetics (formerly Invitae), Labcorp
Classification: Uncertain significance for Congenital neutropenia-myelofibrosis-nephromegaly syndrome. Last evaluated: 2022-08-22. Review status: criteria provided, single submitter. Criteria: Invitae Variant Classification Sherloc (09022015). Collection method: clinical testing. Allele origin: germline.
Comment: This sequence change replaces arginine, which is basic and polar, with glycine, which is neutral and non-polar, at codon 565 of the VPS45 protein (p.Arg565Gly). This variant is present in population databases (rs782644893, gnomAD 0.004%). This variant has not been reported in the literature in individuals affected with VPS45-related conditions. Algorithms developed to predict the effect of missense changes on protein structure and function (SIFT, PolyPhen-2, Align-GVGD) all suggest that this variant is likely to be tolerated. In summary, the available evidence is currently insufficient to determine the role of this variant in disease. Therefore, it has been classified as a Variant of Uncertain Significance.